The following is an entry in ClinVar:

ClinVar aggregate classification (germline): Uncertain significance. Review status: criteria provided, multiple submitters, no conflicts (2 of 4 stars). 3 submissions from 3 submitters: Uncertain significance (3). Last evaluated 2024-04-05.

Conditions:
Hereditary cancer-predisposing syndrome. Also called: Neoplastic Syndromes, Hereditary; Tumor predisposition; Hereditary neoplastic syndrome; Hereditary Cancer Syndrome. Identifiers: Orphanet 140162, MedGen C0027672, MeSH D009386, MONDO:0015356.

Allele frequency attached by ClinVar (database versions not stated): gnomAD exomes below 0.00001.

Submissions (3):

Labcorp Genetics (formerly Invitae), Labcorp
Classification: Uncertain significance. Last evaluated: 2024-04-05. Review status: criteria provided, single submitter. Criteria: Invitae Variant Classification Sherloc (09022015). Collection method: clinical testing. Allele origin: germline.
Comment: This sequence change replaces leucine, which is neutral and non-polar, with valine, which is neutral and non-polar, at codon 174 of the HOXB13 protein (p.Leu174Val). This variant is not present in population databases (gnomAD no frequency). This variant has not been reported in the literature in individuals affected with HOXB13-related conditions. ClinVar contains an entry for this variant (Variation ID: 825549). Advanced modeling of protein sequence and biophysical properties (such as structural, functional, and spatial information, amino acid conservation, physicochemical variation, residue mobility, and thermodynamic stability) performed at Invitae indicates that this missense variant is not expected to disrupt HOXB13 protein function with a negative predictive value of 80%. In summary, the available evidence is currently insufficient to determine the role of this variant in disease. Therefore, it has been classified as a Variant of Uncertain Significance.

Ambry Genetics
Classification: Uncertain significance for Hereditary cancer-predisposing syndrome. Last evaluated: 2023-04-28. Review status: criteria provided, single submitter. Criteria: Ambry Variant Classification Scheme 2023. Collection method: clinical testing. Allele origin: germline.
Comment: The p.L174V variant (also known as c.520C>G), located in coding exon 1 of the HOXB13 gene, results from a C to G substitution at nucleotide position 520. The leucine at codon 174 is replaced by valine, an amino acid with highly similar properties. This amino acid position is well conserved in available vertebrate species. In addition, the in silico prediction for this alteration is inconclusive. Since supporting evidence is limited at this time, the clinical significance of this alteration remains unclear.

GeneDx
Classification: Uncertain significance. Last evaluated: 2020-02-13. Review status: criteria provided, single submitter. Criteria: GeneDx Variant Classification Process June 2021. Collection method: clinical testing. Allele origin: germline. Affected: yes.
Comment: Has not been previously published as pathogenic or benign to our knowledge; Not observed in large population cohorts (Lek 2016); In silico analysis supports that this missense variant does not alter protein structure/function

NM_006361.6(HOXB13):c.520C>G (p.Leu174Val)

Gene: HOXB13 (homeobox B13; minus strand). Cytogenetic location: 17q21.32.
Variant type: single nucleotide variant.
Coding change: c.520C>G on transcript NM_006361.6 (MANE Select); coding-DNA position 520, C replaced by G.
Protein change: p.Leu174Val; replaces leucine 174 with valine.
Molecular consequence: missense variant.
Genome position (GRCh38, 1-based): chr17:48,728,074, G>C on the plus strand (C>G on the coding strand, the complement: HOXB13 is on the minus strand). VCF-style: chr17-48728074-G-C. GRCh37 (hg19) VCF-style: chr17-46805436-G-C.
Other names: short protein forms L174V.
Identifiers: ClinVar variation 825549 (VCV000825549.12), dbSNP rs1597933916, ClinGen allele CA400107277.